The following is an entry in ClinVar:

ClinVar aggregate classification (germline): Uncertain significance. Review status: criteria provided, multiple submitters, no conflicts (2 of 4 stars). 2 submissions from 2 submitters: Uncertain significance (2). Last evaluated 2024-06-18.

gnomAD v4.1: 11 of 1,613,618 alleles (0.00068%); highest among the groups gnomAD compares: Middle Eastern, 0.017%; no homozygotes.

Submissions (2):

GeneDx
Classification: Uncertain significance. Last evaluated: 2024-06-18. Review status: criteria provided, single submitter. Criteria: GeneDx Variant Classification Process June 2021. Collection method: clinical testing. Allele origin: germline. Affected: yes.
Comment: Not observed at significant frequency in large population cohorts (gnomAD); In silico analysis indicates that this missense variant does not alter protein structure/function; Has not been previously published as pathogenic or benign to our knowledge

Labcorp Genetics (formerly Invitae), Labcorp
Classification: Uncertain significance. Last evaluated: 2022-03-04. Review status: criteria provided, single submitter. Criteria: Invitae Variant Classification Sherloc (09022015). Collection method: clinical testing. Allele origin: germline.
Comment: This sequence change replaces arginine, which is basic and polar, with glycine, which is neutral and non-polar, at codon 56 of the ATP6V1B1 protein (p.Arg56Gly). This variant is not present in population databases (gnomAD no frequency). This variant has not been reported in the literature in individuals affected with ATP6V1B1-related conditions. Algorithms developed to predict the effect of missense changes on protein structure and function (SIFT, PolyPhen-2, Align-GVGD) all suggest that this variant is likely to be tolerated. In summary, the available evidence is currently insufficient to determine the role of this variant in disease. Therefore, it has been classified as a Variant of Uncertain Significance.

NM_001692.4(ATP6V1B1):c.166C>G (p.Arg56Gly)

Genes: ATP6V1B1 (ATPase H+ transporting V1 subunit B1; plus strand), ATP6V1B1-AS1 (ATP6V1B1 antisense RNA 1; minus strand). Cytogenetic location: 2p13.3.
Variant type: single nucleotide variant.
Coding change: c.166C>G on transcript NM_001692.4 (MANE Select); coding-DNA position 166, C replaced by G.
Protein change: p.Arg56Gly; replaces arginine 56 with glycine.
Molecular consequence: missense variant.
Genome position (GRCh38, 1-based): chr2:70,943,705, C>G. VCF-style: chr2-70943705-C-G. GRCh37 (hg19) VCF-style: chr2-71170835-C-G.
Other names: c.166C>G (NM_001692.3); short protein forms R56G.
Identifiers: ClinVar variation 2139302 (VCV002139302.2), dbSNP rs781824659, ClinGen allele CA1700917.